The following is an entry in ClinVar:

NM_001330260.2(SCN8A):c.3946G>T (p.Val1316Leu)

Gene: SCN8A (sodium voltage-gated channel alpha subunit 8; plus strand). Cytogenetic location: 12q13.13.
Variant type: single nucleotide variant.
Coding change: c.3946G>T on transcript NM_001330260.2 (MANE Select); coding-DNA position 3946, G replaced by T.
Protein change: p.Val1316Leu; replaces valine 1316 with leucine.
Molecular consequence: missense variant.
Genome position (GRCh38, 1-based): chr12:51,786,545, G>T. VCF-style: chr12-51786545-G-T. GRCh37 (hg19) VCF-style: chr12-52180329-G-T.
Other names: c.3823G>T, p.Val1275Leu (NM_001177984.3, NM_001369788.1); c.3946G>T, p.Val1316Leu (NM_014191.4); short protein forms V1275L, V1316L.
Identifiers: ClinVar variation 1471603 (VCV001471603.7), dbSNP rs2138903944, ClinGen allele CA384904288.

ClinVar aggregate classification (germline): Uncertain significance (1 of 4 stars; one submission).

Conditions:
Early-infantile DEE. Also called: Early infantile epileptic encephalopathy with suppression bursts; Early infantile epileptic encephalopathy; Ohtahara syndrome. Identifiers: Orphanet 1934, MedGen C0393706, MONDO:0800491.

Submission:

Labcorp Genetics (formerly Invitae), Labcorp
Classification: Uncertain significance for Early-infantile DEE. Last evaluated: 2024-02-17. Review status: criteria provided, single submitter. Criteria: Invitae Variant Classification Sherloc (09022015). Collection method: clinical testing. Allele origin: germline.
Comment: This sequence change replaces valine, which is neutral and non-polar, with leucine, which is neutral and non-polar, at codon 1316 of the SCN8A protein (p.Val1316Leu). This variant is not present in population databases (gnomAD no frequency). This variant has not been reported in the literature in individuals affected with SCN8A-related conditions. ClinVar contains an entry for this variant (Variation ID: 1471603). Advanced modeling of protein sequence and biophysical properties (such as structural, functional, and spatial information, amino acid conservation, physicochemical variation, residue mobility, and thermodynamic stability) performed at Invitae indicates that this missense variant is expected to disrupt SCN8A protein function with a positive predictive value of 95%. In summary, the available evidence is currently insufficient to determine the role of this variant in disease. Therefore, it has been classified as a Variant of Uncertain Significance.